The following is an entry in ClinVar:

ClinVar aggregate classification (germline): Uncertain significance (1 of 4 stars; one submission).

Submission:

Labcorp Genetics (formerly Invitae), Labcorp
Classification: Uncertain significance. Last evaluated: 2026-01-12. Review status: criteria provided, single submitter. Criteria: Invitae Variant Classification Sherloc (09022015). Collection method: clinical testing. Allele origin: germline.
Comment: This sequence change replaces leucine, which is neutral and non-polar, with methionine, which is neutral and non-polar, at codon 3034 of the HERC1 protein (p.Leu3034Met). This variant is not present in population databases (gnomAD no frequency). This variant has not been reported in the literature in individuals affected with HERC1-related conditions. ClinVar contains an entry for this variant (Variation ID: 1713533). Invitae Evidence Modeling of protein sequence and biophysical properties (such as structural, functional, and spatial information, amino acid conservation, physicochemical variation, residue mobility, and thermodynamic stability) indicates that this missense variant is expected to disrupt HERC1 protein function with a positive predictive value of 80%. In summary, the available evidence is currently insufficient to determine the role of this variant in disease. Therefore, it has been classified as a Variant of Uncertain Significance.

NM_003922.4(HERC1):c.9100C>A (p.Leu3034Met)

Gene: HERC1 (HECT and RLD domain containing E3 ubiquitin protein ligase family member 1; minus strand). Cytogenetic location: 15q22.31.
Variant type: single nucleotide variant.
Coding change: c.9100C>A on transcript NM_003922.4 (MANE Select); coding-DNA position 9100, C replaced by A.
Protein change: p.Leu3034Met; replaces leucine 3034 with methionine.
Molecular consequence: missense variant.
Genome position (GRCh38, 1-based): chr15:63,661,823, G>T on the plus strand (C>A on the coding strand, the complement: HERC1 is on the minus strand). VCF-style: chr15-63661823-G-T. GRCh37 (hg19) VCF-style: chr15-63954022-G-T.
Other names: short protein forms L3034M.
Identifiers: ClinVar variation 1713533 (VCV001713533.5), dbSNP rs763130759, ClinGen allele CA392761633.
Genomic context (GRCh38, chr15:63,661,823, plus strand): 5'-TTGTTGACTTAGATTTGGTCTTCATGGCTAAGTACTTCTCCCTGCAGGTGCCACATAACA[G>T]GTAGTACGGATTTCCACTCCCACATTCACCGCCAAACCAGCCATCCACATAGGAACCATT-3'
Protein context (NP_003913.3, residues 3024-3044): GECGSGNPYY[Leu3034Met]LCGTCREKYL